The following is an entry in ClinVar:

ClinVar aggregate classification (germline): Conflicting classifications of pathogenicity. Review status: criteria provided, conflicting classifications (1 of 4 stars). 6 submissions from 6 submitters: Uncertain significance (1); Benign (2); Likely benign (2). 1 of the submissions does not count toward it. Last evaluated 2026-01-16.

Conditions:
Congenital dyserythropoietic anemia, type I. Also called: Dyserythropoietic anemia, congenital type 1. Identifiers: Orphanet 98869, MedGen C0271933, MONDO:0020337. Disease mechanism: loss of function.
Anemia, congenital dyserythropoietic, type 1a (CDAN1A). Also called: CDAN1-Related Congenital Dyserythropoietic Anemia; DYSERYTHROPOIETIC ANEMIA, CONGENITAL, TYPE Ia. Identifiers: MedGen C5574667, MONDO:0009135, OMIM 224120.
CDAN1-related disorder. Also called: CDAN1-related condition.

Allele frequency attached by ClinVar (database versions not stated): gnomAD 0.00225 and 0.00219; TOPMed 0.00068; ESP Exome Variant Server 0.00085; 1000 Genomes Project 30x 0.00125; 1000 Genomes Project 0.00160.
gnomAD v4.1: 2,712 of 1,614,080 alleles (0.17%); highest among the groups gnomAD compares: Non-Finnish European, 0.11%; 18 homozygotes.

Submissions (6):

Labcorp Genetics (formerly Invitae), Labcorp
Classification: Benign. Last evaluated: 2026-01-16. Review status: criteria provided, single submitter. Criteria: Invitae Variant Classification Sherloc (09022015). Collection method: clinical testing. Allele origin: germline.

Mayo Clinic Laboratories, Mayo Clinic
Classification: Likely benign. Last evaluated: 2025-09-29. Review status: criteria provided, single submitter. Criteria: ACMG Guidelines, 2015. Collection method: clinical testing. Allele origin: germline. Observed: 4 variant alleles.
Comment: BS1, BP4, BP7

Blueprint Genetics
Classification: Likely benign. Last evaluated: 2024-11-21. Review status: criteria provided, single submitter. Criteria: ACMG Guidelines, 2015. Collection method: clinical testing. Allele origin: germline.

ARUP Laboratories, Molecular Genetics and Genomics, ARUP Laboratories
Classification: Benign for Anemia, congenital dyserythropoietic, type 1a. Last evaluated: 2024-04-03. Review status: criteria provided, single submitter. Criteria: ARUP Molecular Germline Variant Investigation Process 2024. Collection method: clinical testing. Allele origin: germline.

Illumina Laboratory Services, Illumina
Classification: Uncertain significance for Anemia, congenital dyserythropoietic, type 1a. Last evaluated: 2018-01-12. Review status: criteria provided, single submitter. Criteria: ICSL Variant Classification Criteria 13 December 2019. Collection method: clinical testing. Allele origin: germline.

PreventionGenetics, part of Exact Sciences
Classification: Benign for CDAN1-related condition. Last evaluated: 2019-10-28. Review status: no assertion criteria provided. Collection method: clinical testing. Allele origin: germline. Not counted in ClinVar's aggregate classification.
Comment: This variant is classified as benign based on ACMG/AMP sequence variant interpretation guidelines (Richards et al. 2015 PMID: 25741868, with internal and published modifications).

NM_138477.4(CDAN1):c.2542-4C>G

Gene: CDAN1 (codanin 1; minus strand). Cytogenetic location: 15q15.2.
Variant type: single nucleotide variant.
Coding change: c.2542-4C>G on transcript NM_138477.4 (MANE Select); 4 bases into the intron before coding-DNA position 2542, C replaced by G.
Molecular consequence: intron variant.
Genome position (GRCh38, 1-based): chr15:42,729,130, G>C on the plus strand (C>G on the coding strand, the complement: CDAN1 is on the minus strand). VCF-style: chr15-42729130-G-C. GRCh37 (hg19) VCF-style: chr15-43021328-G-C.
Other names: p.?.
Identifiers: ClinVar variation 726722 (VCV000726722.16), dbSNP rs147426809, ClinGen allele CA7515583.